The following is an entry in ClinVar:

ClinVar aggregate classification (germline): Uncertain significance (1 of 4 stars; one submission).

Submission:

Labcorp Genetics (formerly Invitae), Labcorp
Classification: Uncertain significance. Last evaluated: 2022-08-03. Review status: criteria provided, single submitter. Criteria: Invitae Variant Classification Sherloc (09022015). Collection method: clinical testing. Allele origin: germline.
Comment: This sequence change replaces glutamine, which is neutral and polar, with histidine, which is basic and polar, at codon 41 of the TTC19 protein (p.Gln41His). This variant is not present in population databases (gnomAD no frequency). This variant has not been reported in the literature in individuals affected with TTC19-related conditions. Algorithms developed to predict the effect of missense changes on protein structure and function are either unavailable or do not agree on the potential impact of this missense change (SIFT: "Deleterious"; PolyPhen-2: "Benign"; Align-GVGD: "Class C0"). In summary, the available evidence is currently insufficient to determine the role of this variant in disease. Therefore, it has been classified as a Variant of Uncertain Significance.

NM_017775.4(TTC19):c.123G>C (p.Gln41His)

Genes: TTC19 (tetratricopeptide repeat domain 19; plus strand), LOC130060311 (ATAC-STARR-seq lymphoblastoid silent region 8214; plus strand). Cytogenetic location: 17p12.
Variant type: single nucleotide variant.
Coding change: c.123G>C on transcript NM_017775.4 (MANE Select); coding-DNA position 123, G replaced by C.
Protein change: p.Gln41His; replaces glutamine 41 with histidine.
Molecular consequence: missense variant. On other transcripts: 5 prime UTR variant (1).
Genome position (GRCh38, 1-based): chr17:15,999,971, G>C. VCF-style: chr17-15999971-G-C. GRCh37 (hg19) VCF-style: chr17-15903285-G-C.
Other names: c.-336G>C (NM_001271420.2); short protein forms Q41H.
Identifiers: ClinVar variation 1713512 (VCV001713512.3), dbSNP rs2549918725, ClinGen allele CA398382485.